The following is an entry in ClinVar:

NM_005027.4(PIK3R2):c.1495G>C (p.Glu499Gln)

Gene: PIK3R2 (phosphoinositide-3-kinase regulatory subunit 2; plus strand). Cytogenetic location: 19p13.11.
Variant type: single nucleotide variant.
Coding change: c.1495G>C on transcript NM_005027.4 (MANE Select); coding-DNA position 1495, G replaced by C.
Protein change: p.Glu499Gln; replaces glutamic acid 499 with glutamine.
Molecular consequence: missense variant. On other transcripts: non-coding transcript variant (2).
Genome position (GRCh38, 1-based): chr19:18,166,238, G>C. VCF-style: chr19-18166238-G-C. GRCh37 (hg19) VCF-style: chr19-18277048-G-C.
Other names: short protein forms E499Q.
Identifiers: ClinVar variation 4085324 (VCV004085324.8).
Genomic context (GRCh38, chr19:18,166,238, plus strand): 5'-ACTGCAATTGAGGCCTTCAATGAGACTATCAAGATCTTTGAAGAGCAGGGCCAGACTCAA[G>C]AGAAATGCAGCAAGGAATACCTGGAGCGCTTCCGGCGTGAGGGCAACGAGAAAGAGATGC-3'
Protein context (NP_005018.2, residues 489-509): KIFEEQGQTQ[Glu499Gln]KCSKEYLERF

ClinVar aggregate classification (germline): Uncertain significance (1 of 4 stars; one submission).

Submission:

CeGaT Center for Human Genetics Tuebingen
Classification: Uncertain significance. Last evaluated: 2025-06-01. Review status: criteria provided, single submitter. Criteria: CeGaT Center For Human Genetics Tuebingen Variant Classification Criteria Version 2. Collection method: clinical testing. Allele origin: germline. Affected: yes. Observed: 1 variant allele.
Comment: PIK3R2: PM2